The following is an entry in ClinVar:

NM_001267550.2(TTN):c.48808_48809del (p.Val16270fs)

Genes: TTN (titin; minus strand), TTN-AS1 (TTN antisense RNA 1; plus strand), LOC126806426 (BRD4-independent group 4 enhancer GRCh37_chr2:179478848-179480047; plus strand). Cytogenetic location: 2q31.2.
Variant type: Deletion.
Coding change: c.48808_48809del on transcript NM_001267550.2 (MANE Select); coding-DNA positions 48808 to 48809, 2 bases deleted (GT; older notation c.48808_48809delGT).
Protein change: p.Val16270fs; shifts the reading frame from valine 16270.
Molecular consequence: frameshift variant. On other transcripts: non-coding transcript variant (1).
Genome position (GRCh38, 1-based): chr2:178,614,705-178,614,706, AC deleted on the plus strand (GT on the coding strand, the reverse complement: TTN is on the minus strand); deleting any 2 consecutive bases within chr2:178,614,705-178,614,707 gives the same sequence; the c. name uses the placement nearest the transcript's 3' end. VCF-style (leftmost placement, unchanged base first): chr2-178614704-TAC-T. GRCh37 (hg19) VCF-style: chr2-179479431-TAC-T.
Other names: c.43885_43886del, p.Val14629fs (NM_001256850.1); c.21613_21614del, p.Val7205fs (NM_003319.4); c.41104_41105del, p.Val13702fs (NM_133378.4); c.21988_21989del, p.Val7330fs (NM_133432.3); c.22189_22190del, p.Val7397fs (NM_133437.4); short protein forms V13702fs, V14629fs, V7397fs, V16270fs, V7205fs, V7330fs.
Identifiers: ClinVar variation 2950969 (VCV002950969.3), dbSNP rs2470682828, ClinGen allele CA2740096138.

ClinVar aggregate classification (germline): Likely pathogenic (1 of 4 stars; one submission).

Conditions:
Dilated cardiomyopathy 1G (CMD1G). Identifiers: Orphanet 154, MedGen C1858763, MONDO:0011400, OMIM 604145.
Autosomal recessive limb-girdle muscular dystrophy type 2J (LGMDR10). Also called: Limb-girdle muscular dystrophy, type 2J; MUSCULAR DYSTROPHY, LIMB-GIRDLE, AUTOSOMAL RECESSIVE 10. Identifiers: Orphanet 140922, MedGen C1837342, MONDO:0012127, OMIM 608807.

Submission:

Labcorp Genetics (formerly Invitae), Labcorp
Classification: Likely pathogenic for Dilated cardiomyopathy 1G; Autosomal recessive limb-girdle muscular dystrophy type 2J. Last evaluated: 2023-08-14. Review status: criteria provided, single submitter. Criteria: Invitae Variant Classification Sherloc (09022015). Collection method: clinical testing. Allele origin: germline.
Comment: This sequence change creates a premature translational stop signal (p.Val16270Lysfs*7) in the TTN gene. While this is not anticipated to result in nonsense mediated decay, it is expected to create a truncated TTN protein. This variant is not present in population databases (gnomAD no frequency). This variant has not been reported in the literature in individuals affected with TTN-related conditions. This variant is located in the A band of TTN (PMID: 25589632). Truncating variants in this region are significantly overrepresented in patients affected with dilated cardiomyopathy (PMID: 25589632). Truncating variants in this region have also been reported in individuals affected with autosomal recessive centronuclear myopathy (PMID: 23975875). In summary, the currently available evidence indicates that the variant is pathogenic, but additional data are needed to prove that conclusively. Therefore, this variant has been classified as Likely Pathogenic.

Literature cited by the submitters: PubMed 25589632; PubMed 23975875.